The following is an entry in ClinVar:

ClinVar aggregate classification (germline): Uncertain significance (1 of 4 stars; one submission).

Allele frequency attached by ClinVar (database versions not stated): ExAC 0.00004; TOPMed 0.00004; gnomAD 0.00005; gnomAD exomes 0.00010; ESP Exome Variant Server 0.00017.
gnomAD v4.1: 150 of 1,487,812 alleles (0.01%); highest among the groups gnomAD compares: Non-Finnish European, 0.012%; no homozygotes.

Submission:

Labcorp Genetics (formerly Invitae), Labcorp
Classification: Uncertain significance. Last evaluated: 2025-12-30. Review status: criteria provided, single submitter. Criteria: Invitae Variant Classification Sherloc (09022015). Collection method: clinical testing. Allele origin: germline.
Comment: This sequence change replaces glycine, which is neutral and non-polar, with serine, which is neutral and polar, at codon 570 of the RELB protein (p.Gly570Ser). This variant is present in population databases (rs373450774, gnomAD 0.007%). This variant has not been reported in the literature in individuals affected with RELB-related conditions. ClinVar contains an entry for this variant (Variation ID: 1921402). An algorithm developed to predict the effect of missense changes on protein structure and function outputs the following: PolyPhen-2: "Benign". The serine amino acid residue is found in multiple mammalian species, which suggests that this missense change does not adversely affect protein function. In summary, the available evidence is currently insufficient to determine the role of this variant in disease. Therefore, it has been classified as a Variant of Uncertain Significance.

NM_006509.4(RELB):c.1708G>A (p.Gly570Ser)

Gene: RELB (RELB proto-oncogene, NF-kB subunit; plus strand). Cytogenetic location: 19q13.32.
Variant type: single nucleotide variant.
Coding change: c.1708G>A on transcript NM_006509.4 (MANE Select); coding-DNA position 1708, G replaced by A.
Protein change: p.Gly570Ser; replaces glycine 570 with serine.
Molecular consequence: missense variant.
Genome position (GRCh38, 1-based): chr19:45,037,758, G>A. VCF-style: chr19-45037758-G-A. GRCh37 (hg19) VCF-style: chr19-45541016-G-A.
Other names: c.1699G>A, p.Gly567Ser (NM_001411087.1); short protein forms G570S, G567S.
Identifiers: ClinVar variation 1921402 (VCV001921402.5), dbSNP rs373450774, ClinGen allele CA9507938.